The following is an entry in ClinVar:

ClinVar aggregate classification (germline): Uncertain significance (1 of 4 stars; one submission).

Allele frequency attached by ClinVar (database versions not stated): gnomAD exomes 0.00003 and 0.00006; ExAC 0.00007; ESP Exome Variant Server 0.00008; gnomAD 0.00010 and 0.00013; TOPMed 0.00014.

Submission:

Labcorp Genetics (formerly Invitae), Labcorp
Classification: Uncertain significance. Last evaluated: 2024-05-31. Review status: criteria provided, single submitter. Criteria: Invitae Variant Classification Sherloc (09022015). Collection method: clinical testing. Allele origin: germline.
Comment: This sequence change affects codon 788 of the MCM4 mRNA. It is a 'silent' change, meaning that it does not change the encoded amino acid sequence of the MCM4 protein. It affects a nucleotide within the consensus splice site. This variant is present in population databases (rs375341618, gnomAD 0.03%). This variant has not been reported in the literature in individuals affected with MCM4-related conditions. ClinVar contains an entry for this variant (Variation ID: 1390303). Algorithms developed to predict the effect of sequence changes on RNA splicing suggest that this variant is not likely to affect RNA splicing. In summary, the available evidence is currently insufficient to determine the role of this variant in disease. Therefore, it has been classified as a Variant of Uncertain Significance.

NM_182746.3(MCM4):c.2364G>A (p.Thr788=)

Gene: MCM4 (minichromosome maintenance complex component 4; plus strand). Cytogenetic location: 8q11.21.
Variant type: single nucleotide variant.
Coding change: c.2364G>A on transcript NM_182746.3 (MANE Select); coding-DNA position 2364, G replaced by A.
Protein change: p.Thr788=; no amino-acid change (threonine 788 retained).
Molecular consequence: synonymous variant.
Genome position (GRCh38, 1-based): chr8:47,974,961, G>A. VCF-style: chr8-47974961-G-A. GRCh37 (hg19) VCF-style: chr8-48887521-G-A.
Other names: c.2364G>A, p.Thr788= (NM_005914.4).
Identifiers: ClinVar variation 1390303 (VCV001390303.5), dbSNP rs375341618, ClinGen allele CA4742885.
Genomic context (GRCh38, chr8:47,974,961, plus strand): 5'-TCTGAAGCAGTCTGCAACTGATCCCCGGACTGGCATCGTGGACATATCTATTCTTACTAC[G>A]GGTTCGTTATTTTCAGTGAACAGAAAAGCTTTTGAAAATTATTTCAATATGCATGTAGTT-3'
Protein context (NP_877423.1, residues 778-798): TGIVDISILT[Thr788=]GMSATSRKRK